The following is an entry in ClinVar:

ClinVar aggregate classification (germline): Conflicting classifications of pathogenicity. Review status: criteria provided, conflicting classifications (1 of 4 stars). 3 submissions from 3 submitters: Pathogenic (1); Uncertain significance (2). Last evaluated 2024-06-10.

Conditions:
Tubulinopathy. Also called: Tubulinopathies. Identifiers: MedGen CN850169, MONDO:0100153.
Lissencephaly due to TUBA1A mutation (CDCBM16). Also called: CORTICAL DYSPLASIA, COMPLEX, WITH OTHER BRAIN MALFORMATIONS 16; Lissencephaly 3. Identifiers: Orphanet 171680, MedGen C4305153, MONDO:0012703, OMIM 611603.

Submissions (3):

GeneDx
Classification: Uncertain significance. Last evaluated: 2024-06-10. Review status: criteria provided, single submitter. Criteria: GeneDx Variant Classification Process June 2021. Collection method: clinical testing. Allele origin: germline. Affected: yes.
Comment: Nonsense variant predicted to result in protein truncation in a gene or region of a gene for which loss of function is not a well-established mechanism of disease; Not observed at significant frequency in large population cohorts (gnomAD); This variant is associated with the following publications: (PMID: 30744660, 35017693, 26633545)

Institute of Human Genetics, FAU Erlangen, Friedrich-Alexander-Universität Erlangen-Nürnberg
Classification: Uncertain significance for Tubulinopathies. Last evaluated: 2018-07-01. Review status: criteria provided, single submitter. Criteria: ACMG Guidelines, 2015. Collection method: literature only. Allele origin: germline. Affected: yes. Observed: 1 variant allele.
Comment: The c.1224C>A, p.(Tyr408*) variant has been reported as a variant of germline/unknown origin. This variant and associated phenotype was previously reported by Posey et al. Genet Med, 2016

Baylor Genetics
Classification: Pathogenic for Lissencephaly 3. Last evaluated: 2013-06-10. Review status: criteria provided, single submitter. Criteria: Yang et al. 2013. Collection method: clinical testing. Allele origin: germline. Inheritance: Autosomal dominant inheritance. Affected: yes. Observed: 1 variant allele, 1 heterozygote. Study: Adult_WES.

Literature cited by the submitters: PubMed 30744660 (cited by Institute of Human Genetics, FAU Erlangen, Friedrich-Alexander-Universität Erlangen-Nürnberg); DOI 10.1101/427948 (cited by Institute of Human Genetics, FAU Erlangen, Friedrich-Alexander-Universität Erlangen-Nürnberg); PubMed 26633545 (cited by Baylor Genetics).

NM_006009.4(TUBA1A):c.1224C>A (p.Tyr408Ter)

Gene: TUBA1A (tubulin alpha 1a; minus strand). Cytogenetic location: 12q13.12.
Variant type: single nucleotide variant.
Coding change: c.1224C>A on transcript NM_006009.4 (MANE Select); coding-DNA position 1224, C replaced by A.
Protein change: p.Tyr408Ter; replaces tyrosine 408 with a stop codon.
Molecular consequence: nonsense.
Genome position (GRCh38, 1-based): chr12:49,185,142, G>T on the plus strand (C>A on the coding strand, the complement: TUBA1A is on the minus strand). VCF-style: chr12-49185142-G-T. GRCh37 (hg19) VCF-style: chr12-49578925-G-T.
Other names: c.1224C>A (NM_006009.2); c.1224C>A, p.Tyr408Ter (NM_001270399.2); c.1119C>A, p.Tyr373Ter (NM_001270400.2); short protein forms Y408*, Y373*.
Identifiers: ClinVar variation 209200 (VCV000209200.4), dbSNP rs753719501, ClinGen allele CA250399.